The following is an entry in ClinVar:

ClinVar aggregate classification (germline): Pathogenic (1 of 4 stars; one submission).

Conditions:
Hereditary breast ovarian cancer syndrome. Also called: Hereditary breast and ovarian cancer syndrome; Hereditary breast and ovarian cancer syndrome (HBOC); Breast and ovarian cancer; BRCA1- and BRCA2-Associated Hereditary Breast and Ovarian Cancer; Hereditary breast and/or ovarian cancer syndrome; Hereditary breast and ovarian cancer. Identifiers: Orphanet 145, MedGen C0677776, MeSH D061325, MONDO:0003582. Disease mechanism: loss of function.

Submission:

Labcorp Genetics (formerly Invitae), Labcorp
Classification: Pathogenic for Hereditary breast ovarian cancer syndrome. Last evaluated: 2025-04-18. Review status: criteria provided, single submitter. Criteria: Invitae Variant Classification Sherloc (09022015). Collection method: clinical testing. Allele origin: germline.
Comment: This sequence change creates a premature translational stop signal (p.Ser424*) in the BRCA2 gene. It is expected to result in an absent or disrupted protein product. Loss-of-function variants in BRCA2 are known to be pathogenic (PMID: 20104584). This variant is not present in population databases (gnomAD no frequency). This variant has not been reported in the literature in individuals affected with BRCA2-related conditions. For these reasons, this variant has been classified as Pathogenic.

Literature cited by the submitters: PubMed 20104584.

NM_000059.4(BRCA2):c.1271del (p.Ile423_Ser424insTer)

Gene: BRCA2 (BRCA2 DNA repair associated; plus strand). Cytogenetic location: 13q13.1.
Variant type: Deletion.
Coding change: c.1271del on transcript NM_000059.4 (MANE Select); coding-DNA position 1271, one base deleted (C; older notation c.1271delC).
Protein change: p.Ile423_Ser424insTer.
Molecular consequence: nonsense. On other transcripts: non-coding transcript variant (1), intron variant (1).
Genome position (GRCh38, 1-based): chr13:32,332,749, C deleted. VCF-style (leftmost placement, unchanged base first): chr13-32332748-TC-T. GRCh37 (hg19) VCF-style: chr13-32906885-TC-T.
Other names: c.1271del, p.Ile423_Ser424insTer (NM_001406719.1, NM_001406720.1, NM_001406721.1 and 1 more transcripts); c.424+1719del (NM_001406722.1).
Identifiers: ClinVar variation 4717860 (VCV004717860.1).